The following is an entry in ClinVar:

ClinVar aggregate classification (germline): Likely benign (1 of 4 stars; one submission).

Allele frequency attached by ClinVar (database versions not stated): gnomAD exomes 0.00012; ExAC 0.00037; 1000 Genomes Project 0.00060; ESP Exome Variant Server 0.00077; 1000 Genomes Project 30x 0.00078; gnomAD 0.00105; TOPMed 0.00121.
gnomAD v4.1: 334 of 1,613,642 alleles (0.021%); highest among the groups gnomAD compares: African/African-American, 0.37%; no homozygotes.

Submission:

CeGaT Center for Human Genetics Tuebingen
Classification: Likely benign. Last evaluated: 2022-04-01. Review status: criteria provided, single submitter. Criteria: CeGaT Center For Human Genetics Tuebingen Variant Classification Criteria Version 2. Collection method: clinical testing. Allele origin: germline. Affected: yes. Observed: 1 variant allele.
Comment: DOCK5: BP4, BP7

NM_024940.8(DOCK5):c.738C>T (p.Tyr246=)

Gene: DOCK5 (dedicator of cytokinesis 5; plus strand). Cytogenetic location: 8p21.2.
Variant type: single nucleotide variant.
Coding change: c.738C>T on transcript NM_024940.8 (MANE Select); coding-DNA position 738, C replaced by T.
Protein change: p.Tyr246=; no amino-acid change (tyrosine 246 retained).
Molecular consequence: synonymous variant.
Genome position (GRCh38, 1-based): chr8:25,299,075, C>T. VCF-style: chr8-25299075-C-T. GRCh37 (hg19) VCF-style: chr8-25156591-C-T.
Identifiers: ClinVar variation 2658490 (VCV002658490.24), dbSNP rs115024120, ClinGen allele CA4681838.